The following is an entry in ClinVar:

ClinVar aggregate classification (germline): Uncertain significance (1 of 4 stars; one submission).

Conditions:
Spastic paraplegia. Identifiers: MedGen C0037772, HP:0001258.

Allele frequency attached by ClinVar (database versions not stated): gnomAD exomes below 0.00001.
gnomAD v4.1: 3 of 1,613,768 alleles (0.00019%); highest among the groups gnomAD compares: Non-Finnish European, 0.00025%; no homozygotes.

Submission:

Labcorp Genetics (formerly Invitae), Labcorp
Classification: Uncertain significance for Spastic paraplegia. Last evaluated: 2026-01-12. Review status: criteria provided, single submitter. Criteria: Invitae Variant Classification Sherloc (09022015). Collection method: clinical testing. Allele origin: germline.
Comment: This sequence change replaces proline, which is neutral and non-polar, with serine, which is neutral and polar, at codon 1530 of the ZFYVE26 protein (p.Pro1530Ser). This variant is not present in population databases (gnomAD no frequency). This variant has not been reported in the literature in individuals affected with ZFYVE26-related conditions. ClinVar contains an entry for this variant (Variation ID: 1904874). An algorithm developed to predict the effect of missense changes on protein structure and function (PolyPhen-2) suggests that this variant is likely to be tolerated. In summary, the available evidence is currently insufficient to determine the role of this variant in disease. Therefore, it has been classified as a Variant of Uncertain Significance.

NM_015346.4(ZFYVE26):c.4588C>T (p.Pro1530Ser)

Gene: ZFYVE26 (zinc finger FYVE-type containing 26; minus strand). Cytogenetic location: 14q24.1.
Variant type: single nucleotide variant.
Coding change: c.4588C>T on transcript NM_015346.4 (MANE Select); coding-DNA position 4588, C replaced by T.
Protein change: p.Pro1530Ser; replaces proline 1530 with serine.
Molecular consequence: missense variant.
Genome position (GRCh38, 1-based): chr14:67,780,327, G>A on the plus strand (C>T on the coding strand, the complement: ZFYVE26 is on the minus strand). VCF-style: chr14-67780327-G-A. GRCh37 (hg19) VCF-style: chr14-68247044-G-A.
Other names: short protein forms P1530S.
Identifiers: ClinVar variation 1904874 (VCV001904874.5), dbSNP rs1663786011, ClinGen allele CA390169470.